The following is an entry in ClinVar:

NM_001540.5(HSPB1):c.555C>G (p.Phe185Leu)

Gene: HSPB1 (heat shock protein family B (small) member 1; plus strand). Cytogenetic location: 7q11.23.
Variant type: single nucleotide variant.
Coding change: c.555C>G on transcript NM_001540.5 (MANE Select); coding-DNA position 555, C replaced by G.
Protein change: p.Phe185Leu; replaces phenylalanine 185 with leucine.
Molecular consequence: missense variant.
Genome position (GRCh38, 1-based): chr7:76,304,110, C>G. VCF-style: chr7-76304110-C-G. GRCh37 (hg19) VCF-style: chr7-75933427-C-G.
Other names: short protein forms F185L.
Identifiers: ClinVar variation 4621799 (VCV004621799.2).

ClinVar aggregate classification (germline): Conflicting classifications of pathogenicity. Review status: criteria provided, conflicting classifications (1 of 4 stars). 2 submissions from 2 submitters: Uncertain significance (1); Likely benign (1). Last evaluated 2025-09-28.

Conditions:
Charcot-Marie-Tooth disease axonal type 2F (CMT2F). Also called: CHARCOT-MARIE-TOOTH DISEASE, NEURONAL, TYPE 2F; Charcot-Marie-Tooth Neuropathy Type 2F. Identifiers: Orphanet 99940, MedGen C1847823, MONDO:0011687, OMIM 606595.
Inborn genetic diseases. Identifiers: MedGen C0950123, MeSH D030342.

gnomAD v4.1: 6 of 1,613,482 alleles (0.00037%); highest among the groups gnomAD compares: African/African-American, 0.0067%; no homozygotes.

Submissions (2):

Ambry Genetics
Classification: Likely benign for Inborn genetic diseases. Last evaluated: 2025-09-28. Review status: criteria provided, single submitter. Criteria: Ambry Variant Classification Scheme 2023. Collection method: clinical testing. Allele origin: germline.

Labcorp Genetics (formerly Invitae), Labcorp
Classification: Uncertain significance for Charcot-Marie-Tooth disease axonal type 2F. Last evaluated: 2025-04-17. Review status: criteria provided, single submitter. Criteria: Invitae Variant Classification Sherloc (09022015). Collection method: clinical testing. Allele origin: germline.
Comment: This sequence change replaces phenylalanine, which is neutral and non-polar, with leucine, which is neutral and non-polar, at codon 185 of the HSPB1 protein (p.Phe185Leu). This variant is present in population databases (rs533051169, gnomAD 0.03%). This variant has not been reported in the literature in individuals affected with HSPB1-related conditions. Invitae Evidence Modeling of protein sequence and biophysical properties (such as structural, functional, and spatial information, amino acid conservation, physicochemical variation, residue mobility, and thermodynamic stability) indicates that this missense variant is not expected to disrupt HSPB1 protein function with a negative predictive value of 95%. In summary, the available evidence is currently insufficient to determine the role of this variant in disease. Therefore, it has been classified as a Variant of Uncertain Significance.